The following is an entry in ClinVar:

ClinVar aggregate classification (germline): Uncertain significance. Review status: criteria provided, multiple submitters, no conflicts (2 of 4 stars). 2 submissions from 2 submitters: Uncertain significance (2). Last evaluated 2025-05-08.

Conditions:
PRDM12-related disorder. Also called: PRDM12-related condition.
Congenital insensitivity to pain-hypohidrosis syndrome. Also called: HSAN VIII; Neuropathy, hereditary sensory and autonomic, type VIII. Identifiers: Orphanet 478664, MedGen C4225308, MONDO:0014662, OMIM 616488.

Submissions (2):

Labcorp Genetics (formerly Invitae), Labcorp
Classification: Uncertain significance for Congenital insensitivity to pain-hypohidrosis syndrome. Last evaluated: 2025-05-08. Review status: criteria provided, single submitter. Criteria: Invitae Variant Classification Sherloc (09022015). Collection method: clinical testing. Allele origin: germline.
Comment: This sequence change replaces glycine, which is neutral and non-polar, with glutamic acid, which is acidic and polar, at codon 211 of the PRDM12 protein (p.Gly211Glu). This variant is not present in population databases (gnomAD no frequency). This missense change has been observed in individual(s) with congenital pain insensitivity (internal data). Invitae Evidence Modeling of protein sequence and biophysical properties (such as structural, functional, and spatial information, amino acid conservation, physicochemical variation, residue mobility, and thermodynamic stability) indicates that this missense variant is not expected to disrupt PRDM12 protein function with a negative predictive value of 80%. In summary, the available evidence is currently insufficient to determine the role of this variant in disease. Therefore, it has been classified as a Variant of Uncertain Significance.

PreventionGenetics, part of Exact Sciences
Classification: Uncertain significance for PRDM12-related condition. Last evaluated: 2025-03-11. Review status: criteria provided, single submitter. Criteria: ACMG Guidelines, 2015. Collection method: clinical testing. Allele origin: germline.
Comment: The PRDM12 c.632G>A variant is predicted to result in the amino acid substitution p.Gly211Glu. To our knowledge, this variant has not been reported in the literature or in a large population database (gnomAD), indicating this variant is rare. At this time, the clinical significance of this variant is uncertain due to the absence of conclusive functional and genetic evidence.

NM_021619.3(PRDM12):c.632G>A (p.Gly211Glu)

Gene: PRDM12 (PR/SET domain 12; plus strand). Cytogenetic location: 9q34.12.
Variant type: single nucleotide variant.
Coding change: c.632G>A on transcript NM_021619.3 (MANE Select); coding-DNA position 632, G replaced by A.
Protein change: p.Gly211Glu; replaces glycine 211 with glutamic acid.
Molecular consequence: missense variant.
Genome position (GRCh38, 1-based): chr9:130,678,590, G>A. VCF-style: chr9-130678590-G-A. GRCh37 (hg19) VCF-style: chr9-133553977-G-A.
Other names: c.632G>A (NM_021619.2); short protein forms G211E.
Identifiers: ClinVar variation 4740454 (VCV004740454.2).